The following is an entry in ClinVar:

ClinVar aggregate classification (germline): Uncertain significance (1 of 4 stars; one submission).

gnomAD v4.1: 4 of 1,482,630 alleles (0.00027%); highest among the groups gnomAD compares: African/African-American, 0.0028%; no homozygotes.

Submission:

Labcorp Genetics (formerly Invitae), Labcorp
Classification: Uncertain significance. Last evaluated: 2025-12-24. Review status: criteria provided, single submitter. Criteria: Invitae Variant Classification Sherloc (09022015). Collection method: clinical testing. Allele origin: germline.
Comment: This sequence change replaces proline, which is neutral and non-polar, with leucine, which is neutral and non-polar, at codon 124 of the LZTS1 protein (p.Pro124Leu). This variant is present in population databases (no rsID available, gnomAD 0.01%). This variant has not been reported in the literature in individuals affected with LZTS1-related conditions. Invitae Evidence Modeling of protein sequence and biophysical properties (such as structural, functional, and spatial information, amino acid conservation, physicochemical variation, residue mobility, and thermodynamic stability) has been performed for this missense variant. However, the output from this modeling did not meet the statistical confidence thresholds required to predict the impact of this variant on LZTS1 protein function. In summary, the available evidence is currently insufficient to determine the role of this variant in disease. Therefore, it has been classified as a Variant of Uncertain Significance.

NM_021020.5(LZTS1):c.371C>T (p.Pro124Leu)

Gene: LZTS1 (leucine zipper tumor suppressor 1; minus strand). Cytogenetic location: 8p21.3.
Variant type: single nucleotide variant.
Coding change: c.371C>T on transcript NM_021020.5 (MANE Select); coding-DNA position 371, C replaced by T.
Protein change: p.Pro124Leu; replaces proline 124 with leucine.
Molecular consequence: missense variant.
Genome position (GRCh38, 1-based): chr8:20,253,560, G>A on the plus strand (C>T on the coding strand, the complement: LZTS1 is on the minus strand). VCF-style: chr8-20253560-G-A. GRCh37 (hg19) VCF-style: chr8-20111071-G-A.
Other names: c.371C>T, p.Pro124Leu (NM_001362884.2); short protein forms P124L.
Identifiers: ClinVar variation 4781152 (VCV004781152.1).